The following is an entry in ClinVar:

NM_000535.7(PMS2):c.630A>C (p.Lys210Asn)

Gene: PMS2 (PMS1 homolog 2, mismatch repair system component; minus strand). Cytogenetic location: 7p22.1.
Variant type: single nucleotide variant.
Coding change: c.630A>C on transcript NM_000535.7 (MANE Select); coding-DNA position 630, A replaced by C.
Protein change: p.Lys210Asn; replaces lysine 210 with asparagine.
Molecular consequence: missense variant. On other transcripts: 5 prime UTR variant (2), non-coding transcript variant (1), intron variant (9).
Genome position (GRCh38, 1-based): chr7:5,999,183, T>G on the plus strand (A>C on the coding strand, the complement: PMS2 is on the minus strand). VCF-style: chr7-5999183-T-G. GRCh37 (hg19) VCF-style: chr7-6038814-T-G.
Other names: c.225A>C, p.Lys75Asn (NM_001018040.1, NM_001322003.2, NM_001322004.2 and 20 more transcripts); c.630A>C, p.Lys210Asn (NM_001322006.2, NM_001322014.2, NM_001406870.1 and 4 more transcripts); c.312A>C, p.Lys104Asn (NM_001322007.2, NM_001322008.2, NM_001406876.1 and 4 more transcripts); c.-304A>C (NM_001322011.2, NM_001322012.2); c.321A>C, p.Lys107Asn (NM_001322015.2, NM_001406875.1, NM_001406877.1 and 6 more transcripts); c.816A>C, p.Lys272Asn (NM_001406866.1); c.654A>C, p.Lys218Asn (NM_001406868.1); c.294A>C, p.Lys98Asn (NM_001406885.1); and 6 more; short protein forms K272N, K75N, K210N, K218N, K104N, K107N, K98N.
Identifiers: ClinVar variation 2772173 (VCV002772173.3), dbSNP rs765847615, ClinGen allele CA366743951.

ClinVar aggregate classification (germline): Uncertain significance (1 of 4 stars; one submission).

Conditions:
Hereditary nonpolyposis colorectal neoplasms. Identifiers: MedGen C0009405, MeSH D003123.

Submission:

Labcorp Genetics (formerly Invitae), Labcorp
Classification: Uncertain significance for Hereditary nonpolyposis colorectal neoplasms. Last evaluated: 2023-10-28. Review status: criteria provided, single submitter. Criteria: Invitae Variant Classification Sherloc (09022015). Collection method: clinical testing. Allele origin: germline.
Comment: This sequence change replaces lysine, which is basic and polar, with asparagine, which is neutral and polar, at codon 210 of the PMS2 protein (p.Lys210Asn). This variant is not present in population databases (gnomAD no frequency). This variant has not been reported in the literature in individuals affected with PMS2-related conditions. Advanced modeling of protein sequence and biophysical properties (such as structural, functional, and spatial information, amino acid conservation, physicochemical variation, residue mobility, and thermodynamic stability) performed at Invitae indicates that this missense variant is expected to disrupt PMS2 protein function with a positive predictive value of 80%. In summary, the available evidence is currently insufficient to determine the role of this variant in disease. Therefore, it has been classified as a Variant of Uncertain Significance.